The following is an entry in ClinVar:

ClinVar aggregate classification (germline): Conflicting classifications of pathogenicity. Review status: criteria provided, conflicting classifications (1 of 4 stars). 4 submissions from 4 submitters: Uncertain significance (2); Likely benign (1). 1 of the submissions does not count toward it. Last evaluated 2023-10-05.

Conditions:
IFNGR2-related disorder. Also called: IFNGR2-related condition.
Inborn genetic diseases. Identifiers: MedGen C0950123, MeSH D030342.
Immunodeficiency 28 (IMD28). Also called: IFNGR2 DEFICIENCY. Identifiers: Orphanet 319547, Orphanet 319574, MedGen C4013947, MONDO:0013953, OMIM 614889.

Allele frequency attached by ClinVar (database versions not stated): 1000 Genomes Project 30x 0.00062; gnomAD 0.00120 and 0.00124; gnomAD exomes 0.00126 and 0.00165; TOPMed 0.00190.
gnomAD v4.1: 2,179 of 1,375,618 alleles (0.16%); highest among the groups gnomAD compares: Admixed American, 0.28%; 5 homozygotes.

Submissions (4):

Ambry Genetics
Classification: Uncertain significance for Inborn genetic diseases. Last evaluated: 2023-10-05. Review status: criteria provided, single submitter. Criteria: Ambry Variant Classification Scheme 2023. Collection method: clinical testing. Allele origin: germline.

Labcorp Genetics (formerly Invitae), Labcorp
Classification: Uncertain significance for Immunodeficiency 28. Last evaluated: 2022-09-26. Review status: criteria provided, single submitter. Criteria: Invitae Variant Classification Sherloc (09022015). Collection method: clinical testing. Allele origin: germline.
Comment: This sequence change replaces leucine, which is neutral and non-polar, with phenylalanine, which is neutral and non-polar, at codon 13 of the IFNGR2 protein (p.Leu13Phe). This variant is present in population databases (no rsID available, gnomAD 0.2%), including at least one homozygous and/or hemizygous individual. This variant has not been reported in the literature in individuals affected with IFNGR2-related conditions. ClinVar contains an entry for this variant (Variation ID: 474968). Algorithms developed to predict the effect of missense changes on protein structure and function are either unavailable or do not agree on the potential impact of this missense change (SIFT: "Tolerated"; PolyPhen-2: "Not Available"; Align-GVGD: "Class C0"). In summary, the available evidence is currently insufficient to determine the role of this variant in disease. Therefore, it has been classified as a Variant of Uncertain Significance.

CeGaT Center for Human Genetics Tuebingen
Classification: Likely benign. Last evaluated: 2020-05-01. Review status: criteria provided, single submitter. Criteria: CeGaT Center For Human Genetics Tuebingen Variant Classification Criteria Version 2. Collection method: clinical testing. Allele origin: germline. Affected: yes. Observed: 1 variant allele.

PreventionGenetics, part of Exact Sciences
Classification: Likely benign for IFNGR2-related condition. Last evaluated: 2024-01-16. Review status: no assertion criteria provided. Collection method: clinical testing. Allele origin: germline. Not counted in ClinVar's aggregate classification.
Comment: This variant is classified as likely benign based on ACMG/AMP sequence variant interpretation guidelines (Richards et al. 2015 PMID: 25741868, with internal and published modifications).

NM_005534.4(IFNGR2):c.37C>T (p.Leu13Phe)

Genes: IFNGR2 (interferon gamma receptor 2; plus strand), LOC119266102 (IFNGR2 promoter region; plus strand). Cytogenetic location: 21q22.11.
Variant type: single nucleotide variant.
Coding change: c.37C>T on transcript NM_005534.4 (MANE Select); coding-DNA position 37, C replaced by T.
Protein change: p.Leu13Phe; replaces leucine 13 with phenylalanine.
Molecular consequence: missense variant.
Genome position (GRCh38, 1-based): chr21:33,403,580, C>T. VCF-style: chr21-33403580-C-T. GRCh37 (hg19) VCF-style: chr21-34775886-C-T.
Other names: c.37C>T, p.Leu13Phe (NM_001329128.2); short protein forms L13F.
Identifiers: ClinVar variation 474968 (VCV000474968.47), dbSNP rs1012938610, ClinGen allele CA320132009.
Genomic context (GRCh38, chr21:33,403,580, plus strand): 5'-AGCCGCCGCCGAGCGCCCGGGGCCATGCGACCGACGCTGCTGTGGTCGCTGCTGCTGCTG[C>T]TCGGAGTCTTCGCCGCCGCCGCCGCGGCCCCGCCAGGTGAGCCGGGCCTGGGCCTCCGCG-3'
Protein context (NP_005525.2, residues 3-23): PTLLWSLLLL[Leu13Phe]GVFAAAAAAP